The following is an entry in ClinVar:

NM_001378615.1(CC2D2A):c.4340A>C (p.Glu1447Ala)

Genes: CC2D2A (coiled-coil and C2 domain containing 2A; plus strand), FBXL5 (F-box and leucine rich repeat protein 5; minus strand). Cytogenetic location: 4p15.32.
Variant type: single nucleotide variant.
Coding change: c.4340A>C on transcript NM_001378615.1 (MANE Select); coding-DNA position 4340, A replaced by C.
Protein change: p.Glu1447Ala; replaces glutamic acid 1447 with alanine.
Molecular consequence: missense variant.
Genome position (GRCh38, 1-based): chr4:15,596,110, A>C. VCF-style: chr4-15596110-A-C. GRCh37 (hg19) VCF-style: chr4-15597733-A-C.
Other names: c.4340A>C, p.Glu1447Ala (NM_001080522.2); c.4193A>C, p.Glu1398Ala (NM_001378617.1); short protein forms E1447A, E1398A.
Identifiers: ClinVar variation 30934 (VCV000030934.13), dbSNP rs387907058, ClinGen allele CA129547.

ClinVar aggregate classification (germline): Conflicting classifications of pathogenicity. Review status: criteria provided, conflicting classifications (1 of 4 stars). 6 submissions from 6 submitters: Likely pathogenic (1); Uncertain significance (4). 1 of the submissions does not count toward it. Last evaluated 2026-02-07.

Conditions:
CC2D2A-related disorder. Also called: CC2D2A-related disorders; CC2D2A-related condition. Identifiers: MedGen CN239313.
Joubert syndrome. Also called: JOUBERT-BOLTSHAUSER SYNDROME; Familial aplasia of the vermis. Identifiers: Orphanet 475, MedGen C5979921, MONDO:0018772.
Meckel-Gruber syndrome. Also called: GRUBER SYNDROME; DYSENCEPHALIA SPLANCHNOCYSTICA; Dysencephalia splachnocystica. Identifiers: Orphanet 564, MedGen C0265215, MONDO:0018921.
Joubert syndrome 9/15, digenic. Identifiers: MedGen C3280898.

Allele frequency attached by ClinVar (database versions not stated): gnomAD exomes 0.00003 and 0.00002; gnomAD 0.00004 and 0.00003; TOPMed 0.00003.
gnomAD v4.1: 33 of 1,548,278 alleles (0.0021%); highest among the groups gnomAD compares: Non-Finnish European, 0.0029%; no homozygotes.

Submissions (6):

GeneDx
Classification: Likely pathogenic. Last evaluated: 2026-02-07. Review status: criteria provided, single submitter. Criteria: GeneDx Variant Classification Process June 2021. Collection method: clinical testing. Allele origin: germline.
Comment: Reported as a single heterozygous CC2D2A variant in a proband with features of Joubert syndrome and related disorders who also harbored a single heterozygous variant in the CEP41 gene (PMID: 22246503); Not observed at significant frequency in large population cohorts (gnomAD); In silico analysis supports that this missense variant has a deleterious effect on protein structure/function; This variant is associated with the following publications: (PMID: 31964843, 32989887, Amorini_2023, 22246503)

Blueprint Genetics
Classification: Uncertain significance. Last evaluated: 2024-07-10. Review status: criteria provided, single submitter. Criteria: ACMG Guidelines, 2015. Collection method: clinical testing. Allele origin: germline.

PreventionGenetics, part of Exact Sciences
Classification: Uncertain significance for CC2D2A-related condition. Last evaluated: 2023-07-21. Review status: criteria provided, single submitter. Criteria: ACMG Guidelines, 2015. Collection method: clinical testing. Allele origin: germline.
Comment: The CC2D2A c.4340A>C variant is predicted to result in the amino acid substitution p.Glu1447Ala. To our knowledge, this variant has not been reported in the literature. This variant is reported in 0.0066% of alleles in individuals of European (Non-Finnish) descent in gnomAD. At this time, the clinical significance of this variant is uncertain due to the absence of conclusive functional and genetic evidence.

Labcorp Genetics (formerly Invitae), Labcorp
Classification: Uncertain significance for Joubert syndrome; Meckel-Gruber syndrome. Last evaluated: 2022-04-29. Review status: criteria provided, single submitter. Criteria: Invitae Variant Classification Sherloc (09022015). Collection method: clinical testing. Allele origin: germline.
Comment: This sequence change replaces glutamic acid, which is acidic and polar, with alanine, which is neutral and non-polar, at codon 1447 of the CC2D2A protein (p.Glu1447Ala). This variant is present in population databases (rs387907058, gnomAD 0.005%). This variant has not been reported in the literature in individuals affected with CC2D2A-related conditions. ClinVar contains an entry for this variant (Variation ID: 30934). Algorithms developed to predict the effect of missense changes on protein structure and function (SIFT, PolyPhen-2, Align-GVGD) all suggest that this variant is likely to be tolerated. In summary, the available evidence is currently insufficient to determine the role of this variant in disease. Therefore, it has been classified as a Variant of Uncertain Significance.

Eurofins Ntd Llc (ga)
Classification: Uncertain significance. Last evaluated: 2017-01-25. Review status: criteria provided, single submitter. Criteria: EGL Classification Definitions 2015. Collection method: clinical testing. Allele origin: germline. Observed: 1 variant allele, 1 heterozygote.

OMIM
Classification: Pathogenic for JOUBERT SYNDROME 9/15, DIGENIC. Last evaluated: 2012-01-15. Review status: no assertion criteria provided. Collection method: literature only. Allele origin: germline. Not counted in ClinVar's aggregate classification.

Literature cited by the submitters: PubMed 22246503 (cited by OMIM).